The following is an entry in ClinVar:

ClinVar aggregate classification (germline): Benign/Likely benign. Review status: criteria provided, multiple submitters, no conflicts (2 of 4 stars). 2 submissions from 2 submitters: Benign (1); Likely benign (1). Last evaluated 2023-07-29.

Conditions:
Nemaline myopathy 2 (NEM2). Also called: Nemaline myopathy 2, autosomal recessive. Identifiers: MedGen C1850569, MONDO:0009725, OMIM 256030.

Allele frequency attached by ClinVar (database versions not stated): gnomAD 0.00003; TOPMed 0.00003.
gnomAD v4.1: 4 of 1,613,634 alleles (0.00025%); highest among the groups gnomAD compares: African/African-American, 0.0053%; no homozygotes.

Submissions (2):

Labcorp Genetics (formerly Invitae), Labcorp
Classification: Benign for Nemaline myopathy 2. Last evaluated: 2023-07-29. Review status: criteria provided, single submitter. Criteria: Invitae Variant Classification Sherloc (09022015). Collection method: clinical testing. Allele origin: germline.

GeneDx
Classification: Likely benign. Last evaluated: 2018-06-18. Review status: criteria provided, single submitter. Criteria: GeneDx Variant Classification (06012015). Collection method: clinical testing. Allele origin: germline. Affected: yes.
Comment: This variant is considered likely benign or benign based on one or more of the following criteria: it is a conservative change, it occurs at a poorly conserved position in the protein, it is predicted to be benign by multiple in silico algorithms, and/or has population frequency not consistent with disease.

NM_001164508.2(NEB):c.17922G>T (p.Leu5974=)

Gene: NEB (nebulin; minus strand). Cytogenetic location: 2q23.3.
Variant type: single nucleotide variant.
Coding change: c.17922G>T on transcript NM_001164508.2 (MANE Select); coding-DNA position 17922, G replaced by T.
Protein change: p.Leu5974=; no amino-acid change (leucine 5974 retained).
Molecular consequence: synonymous variant.
Genome position (GRCh38, 1-based): chr2:151,567,402, C>A on the plus strand (G>T on the coding strand, the complement: NEB is on the minus strand). VCF-style: chr2-151567402-C-A. GRCh37 (hg19) VCF-style: chr2-152423916-C-A.
Other names: c.17922G>T, p.Leu5974= (NM_001164507.2, NM_001271208.2); c.12819G>T, p.Leu4273= (NM_004543.5).
Identifiers: ClinVar variation 671761 (VCV000671761.4), dbSNP rs1327308371, ClinGen allele CA429451682.